The following is an entry in ClinVar:

NM_000179.3(MSH6):c.1661G>C (p.Arg554Pro)

Gene: MSH6 (mutS homolog 6; plus strand). Cytogenetic location: 2p16.3.
Variant type: single nucleotide variant.
Coding change: c.1661G>C on transcript NM_000179.3 (MANE Select); coding-DNA position 1661, G replaced by C.
Protein change: p.Arg554Pro; replaces arginine 554 with proline.
Molecular consequence: missense variant. On other transcripts: non-coding transcript variant (4), intron variant (2).
Genome position (GRCh38, 1-based): chr2:47,799,644, G>C. VCF-style: chr2-47799644-G-C. GRCh37 (hg19) VCF-style: chr2-48026783-G-C.
Other names: c.1271G>C, p.Arg424Pro (NM_001281492.2); c.755G>C, p.Arg252Pro (NM_001281493.2, NM_001281494.2, NM_001406811.1 and 6 more transcripts); c.1757G>C, p.Arg586Pro (NM_001406795.1, NM_001406802.1); c.1661G>C, p.Arg554Pro (NM_001406796.1, NM_001406798.1, NM_001406800.1 and 3 more transcripts); c.1364G>C, p.Arg455Pro (NM_001406797.1, NM_001406801.1, NM_001406805.1 and 10 more transcripts); c.1136G>C, p.Arg379Pro (NM_001406799.1, NM_001406806.1, NM_001406807.1); c.1583G>C, p.Arg528Pro (NM_001406804.1); c.1667G>C, p.Arg556Pro (NM_001406813.1); and 3 more; short protein forms R424P, R455P, R498P, R528P, R379P, R586P, R252P, R554P.
Identifiers: ClinVar variation 3875102 (VCV003875102.1).

ClinVar aggregate classification (germline): Uncertain significance (1 of 4 stars; one submission).

Conditions:
Hereditary cancer-predisposing syndrome. Also called: Tumor predisposition; Neoplastic Syndromes, Hereditary; Hereditary Cancer Syndrome; Hereditary neoplastic syndrome. Identifiers: Orphanet 140162, MedGen C0027672, MeSH D009386, MONDO:0015356.

Submission:

Ambry Genetics
Classification: Uncertain significance for Hereditary cancer-predisposing syndrome. Last evaluated: 2025-03-14. Review status: criteria provided, single submitter. Criteria: Ambry Variant Classification Scheme 2023. Collection method: clinical testing. Allele origin: germline.
Comment: The p.R554P variant (also known as c.1661G>C), located in coding exon 4 of the MSH6 gene, results from a G to C substitution at nucleotide position 1661. The arginine at codon 554 is replaced by proline, an amino acid with dissimilar properties. This amino acid position is well conserved in available vertebrate species. In addition, this alteration is predicted to be deleterious by in silico analysis. Based on the available evidence, the clinical significance of this variant remains unclear.